The following is an entry in ClinVar:

ClinVar aggregate classification (germline): Uncertain significance (1 of 4 stars; one submission).

Conditions:
Focal segmental glomerulosclerosis 8 (FSGS8). Identifiers: Orphanet 656, MedGen C4014993, MONDO:0014462, OMIM 616032.

gnomAD v4.1: 4 of 1,613,934 alleles (0.00025%); highest among the groups gnomAD compares: South Asian, 0.0011%; no homozygotes.

Submission:

MVZ Medizinische Genetik Mainz
Classification: Uncertain significance for Focal segmental glomerulosclerosis 8. Last evaluated: 2024-11-15. Review status: criteria provided, single submitter. Criteria: UK Practice Guidelines For Variant Classification V4 01 2020. Collection method: clinical testing. Allele origin: germline. Inheritance: Autosomal dominant inheritance. Affected: yes. Observed: 1 variant allele.
Comment: ACMG Criteria: PM2_SUP

NM_018685.5(ANLN):c.1963C>T (p.Arg655Ter)

Gene: ANLN (anillin, actin binding protein; plus strand). Cytogenetic location: 7p14.2.
Variant type: single nucleotide variant.
Coding change: c.1963C>T on transcript NM_018685.5 (MANE Select); coding-DNA position 1963, C replaced by T.
Protein change: p.Arg655Ter; replaces arginine 655 with a stop codon.
Molecular consequence: nonsense.
Genome position (GRCh38, 1-based): chr7:36,420,262, C>T. VCF-style: chr7-36420262-C-T. GRCh37 (hg19) VCF-style: chr7-36459871-C-T.
Other names: c.1852C>T, p.Arg618Ter (NM_001284301.3); c.1849C>T, p.Arg617Ter (NM_001284302.3); short protein forms R617*, R618*, R655*.
Identifiers: ClinVar variation 3392548 (VCV003392548.1).